The following is an entry in ClinVar:

ClinVar aggregate classification (germline): Uncertain significance (1 of 4 stars; one submission).

Conditions:
Autosomal recessive axonal neuropathy with neuromyotonia (NMAN). Also called: MYOKYMIA, MYOTONIA, AND MUSCLE WASTING; Neuromyotonia and axonal neuropathy, autosomal recessive; Gamstorp-Wohlfart syndrome. Identifiers: Orphanet 324442, MedGen C5700127, MONDO:0007646, OMIM 137200.

gnomAD v4.1: 1 of 1,613,352 alleles (0.000062%); highest among the groups gnomAD compares: Non-Finnish European, 0.000085%; no homozygotes.

Submission:

Labcorp Genetics (formerly Invitae), Labcorp
Classification: Uncertain significance for Autosomal recessive axonal neuropathy with neuromyotonia. Last evaluated: 2021-08-02. Review status: criteria provided, single submitter. Criteria: Invitae Variant Classification Sherloc (09022015). Collection method: clinical testing. Allele origin: germline.
Comment: In summary, the available evidence is currently insufficient to determine the role of this variant in disease. Therefore, it has been classified as a Variant of Uncertain Significance. Algorithms developed to predict the effect of missense changes on protein structure and function (SIFT, PolyPhen-2, Align-GVGD) all suggest that this variant is likely to be disruptive. This variant has not been reported in the literature in individuals affected with HINT1-related conditions. This variant is not present in population databases (ExAC no frequency). This sequence change replaces isoleucine with threonine at codon 63 of the HINT1 protein (p.Ile63Thr). The isoleucine residue is moderately conserved and there is a moderate physicochemical difference between isoleucine and threonine.

NM_005340.7(HINT1):c.188T>C (p.Ile63Thr)

Gene: HINT1 (histidine triad nucleotide binding protein 1; minus strand). Cytogenetic location: 5q23.3.
Variant type: single nucleotide variant.
Coding change: c.188T>C on transcript NM_005340.7 (MANE Select); coding-DNA position 188, T replaced by C.
Protein change: p.Ile63Thr; replaces isoleucine 63 with threonine.
Molecular consequence: missense variant. On other transcripts: non-coding transcript variant (5).
Genome position (GRCh38, 1-based): chr5:131,162,600, A>G on the plus strand (T>C on the coding strand, the complement: HINT1 is on the minus strand). VCF-style: chr5-131162600-A-G. GRCh37 (hg19) VCF-style: chr5-130498293-A-G.
Other names: short protein forms I63T.
Identifiers: ClinVar variation 1408642 (VCV001408642.6), dbSNP rs1048322333, ClinGen allele CA360838704.